The following is an entry in ClinVar:

ClinVar aggregate classification (germline): Uncertain significance. Review status: reviewed by expert panel (3 of 4 stars). 2 submissions from 2 submitters: Uncertain significance (1). 1 of the submissions does not count toward it. Last evaluated 2025-08-01.

Conditions:
Malignant hyperthermia of anesthesia. Also called: Anesthesic-triggered malignant hyperthermia. Identifiers: Orphanet 423, MedGen C0024591, MONDO:0018493, HP:0034733.

Submissions (2):

ClinGen Malignant Hyperthermia Susceptibility Variant Curation Expert Panel, ClinGen
Classification: Uncertain significance for Malignant hyperthermia of anesthesia. Last evaluated: 2025-08-01. Review status: reviewed by expert panel. Criteria: ClinGen MHS ACMG Specifications V2. Collection method: curation. Allele origin: germline. Inheritance: Autosomal dominant inheritance.
Comment: This pathogenicity assessment is relevant only for malignant hyperthermia susceptibility (MHS) inherited in an autosomal dominant pattern. Variants in RYR1 can also cause other myopathies inherited in an autosomal dominant pattern or in an autosomal recessive pattern. Some of these disorders may predispose individuals to malignant hyperthermia. RYR1 variants may also contribute to a malignant hyperthermia reaction in combination with other genetic and non-genetic factors and the clinician needs to consider such factors in making management decisions. This sequence variant predicts a deletion of aspartic acid at codon 17 of the RYR1 protein, p.(Asp17del). This variant was not present in a large population database (gnomAD) at the time this variant was interpreted. This variant has been reported in an individual with a personal or family history of an MH episode without a positive in vitro contracture test (IVCT) or caffeine halothane contracture test (CHCT) result, PS4 was not met (PMID:16732084). No functional studies were identified for this variant. This variant resides in a region of RYR1 considered to be a hotspot for pathogenic variants that contribute to MHS, PM1 (PMID: 21118704). This variant has been classified as a Variant of Unknown Significance. Criteria implemented: PM1.

RYR1 database
No classification provided. Review status: no classification provided. Collection method: not provided. Allele origin: unknown. Not counted in ClinVar's aggregate classification.

NM_000540.3(RYR1):c.51_53del (p.Asp17del)

Gene: RYR1 (ryanodine receptor 1; plus strand). Cytogenetic location: 19q13.2.
Variant type: Deletion.
Coding change: c.51_53del on transcript NM_000540.3 (MANE Select); coding-DNA positions 51 to 53, 3 bases deleted (TGA; older notation c.51_53delTGA).
Protein change: p.Asp17del; deletes aspartic acid 17.
Molecular consequence: inframe deletion.
Genome position (GRCh38, 1-based): chr19:38,440,750-38,440,752, TGA deleted; deleting any 3 consecutive bases within chr19:38,440,748-38,440,752 gives the same sequence; the c. name uses the placement nearest the transcript's 3' end. VCF-style (leftmost placement, unchanged base first): chr19-38440747-CGAT-C. GRCh37 (hg19) VCF-style: chr19-38931387-CGAT-C.
Other names: c.51_53del, p.Asp17del (NM_001042723.2); c.51_53del (NM_000540.2); short protein forms D17del.
Identifiers: ClinVar variation 133146 (VCV000133146.4), dbSNP rs193922745, ClinGen allele CA024489.
Genomic context (GRCh38, chr19:38,440,747, plus strand): 5'-CAGTATTTGTGGTATCCGGGCCAGGCCCCCCTGGAGACGCTGCCCCTCGGTTCCGCAGGA[CGAT>C]GAGGTGGTCCTGCAGTGCAGCGCTACCGTGCTCAAGGAGCAGCTCAAGCTCTGCCTGGCC-3'